The following is an entry in ClinVar:

ClinVar aggregate classification (germline): Uncertain significance. Review status: criteria provided, multiple submitters, no conflicts (2 of 4 stars). 5 submissions from 5 submitters: Uncertain significance (5). Last evaluated 2025-08-04.

Conditions:
COL3A1-related disorder. Also called: COL3A1-related condition.
Ehlers-Danlos syndrome, type 4 (EDSVASC). Also called: Ehlers-Danlos syndrome vascular type; Ehlers Danlos syndrome, ecchymotic type; Ehlers Danlos syndrome, arterial type; Ehlers Danlos syndrome, Sack-Barabas type; Ehlers-Danlos Syndrome Type IV. Identifiers: Orphanet 286, MedGen C0268338, MONDO:0017314, OMIM 130050.
Familial thoracic aortic aneurysm and aortic dissection (TAAD). Also called: Thoracic aortic aneurysms and dissections. Identifiers: Orphanet 91387, MedGen C4707243, MONDO:0019625.

Allele frequency attached by ClinVar (database versions not stated): TOPMed below 0.00001; gnomAD 0.00001; gnomAD exomes 0.00001.
gnomAD v4.1: 9 of 1,612,276 alleles (0.00056%); highest among the groups gnomAD compares: Non-Finnish European, 0.00076%; no homozygotes.

Submissions (5):

Color Diagnostics, LLC DBA Color Health
Classification: Uncertain significance for Familial thoracic aortic aneurysm and aortic dissection. Last evaluated: 2025-08-04. Review status: criteria provided, single submitter. Criteria: ACMG Guidelines, 2015. Collection method: clinical testing. Allele origin: germline.
Comment: This missense variant replaces glycine with aspartic acid at codon 101 of the COL3A1 protein. Computational prediction suggests that this variant may not impact protein structure and function. To our knowledge, functional studies have not been reported for this variant. This variant has not been reported in individuals affected with COL3A1-related disorders in the literature. This variant has been identified in 2/282140 chromosomes in the general population by the Genome Aggregation Database (gnomAD). The available evidence is insufficient to determine the role of this variant in disease conclusively. Therefore, this variant is classified as a Variant of Uncertain Significance.

PreventionGenetics, part of Exact Sciences
Classification: Uncertain significance for COL3A1-related condition. Last evaluated: 2025-07-02. Review status: criteria provided, single submitter. Criteria: ACMG Guidelines, 2015. Collection method: clinical testing. Allele origin: germline.
Comment: The COL3A1 c.302G>A variant is predicted to result in the amino acid substitution p.Gly101Asp. To our knowledge, this variant has not been reported in the literature. This variant is reported in 0.0016% of alleles in individuals of European (Non-Finnish) descent in gnomAD. At this time, the clinical significance of this variant is uncertain due to the absence of conclusive functional and genetic evidence.

All of Us Research Program, National Institutes of Health
Classification: Uncertain significance for Ehlers-Danlos syndrome, type 4. Last evaluated: 2024-08-06. Review status: criteria provided, single submitter. Criteria: ACMG Guidelines, 2015. Collection method: clinical testing. Allele origin: germline. Inheritance: Autosomal dominant inheritance. Observed: 4 variant alleles, 4 heterozygotes.
Comment: This missense variant replaces glycine with aspartic acid at codon 101 of the COL3A1 protein. Computational prediction suggests that this variant may not impact protein structure and function (internally defined REVEL score threshold <= 0.5, PMID: 27666373). To our knowledge, functional studies have not been reported for this variant. This variant has not been reported in individuals affected with cardiovascular disorders in the literature. This variant has been identified in 2/282140 chromosomes in the general population by the Genome Aggregation Database (gnomAD). The available evidence is insufficient to determine the role of this variant in disease conclusively. Therefore, this variant is classified as a Variant of Uncertain Significance.

This study involves interpretation of variants in research participants for the purpose of population health screening. Participant phenotype was not available at the time of variant classification. Additional details can be found in publication PMID: 35346344, PMCID: PMC8962531

GeneDx
Classification: Uncertain significance. Last evaluated: 2023-01-30. Review status: criteria provided, single submitter. Criteria: GeneDx Variant Classification Process June 2021. Collection method: clinical testing. Allele origin: germline. Affected: yes.
Comment: Not observed at significant frequency in large population cohorts (gnomAD); In silico analysis supports that this missense variant does not alter protein structure/function; Has not been previously published as pathogenic or benign to our knowledge; Not located in the triple helical region, where the majority of pathogenic missense variants occur (HGMD)

Labcorp Genetics (formerly Invitae), Labcorp
Classification: Uncertain significance for Ehlers-Danlos syndrome, type 4. Last evaluated: 2022-09-06. Review status: criteria provided, single submitter. Criteria: Invitae Variant Classification Sherloc (09022015). Collection method: clinical testing. Allele origin: germline.
Comment: This sequence change replaces glycine, which is neutral and non-polar, with aspartic acid, which is acidic and polar, at codon 101 of the COL3A1 protein (p.Gly101Asp). This variant is present in population databases (no rsID available, gnomAD 0.002%). In summary, the available evidence is currently insufficient to determine the role of this variant in disease. Therefore, it has been classified as a Variant of Uncertain Significance. Advanced modeling of protein sequence and biophysical properties (such as structural, functional, and spatial information, amino acid conservation, physicochemical variation, residue mobility, and thermodynamic stability) performed at Invitae indicates that this missense variant is not expected to disrupt COL3A1 protein function. This variant has not been reported in the literature in individuals affected with COL3A1-related conditions.

NM_000090.4(COL3A1):c.302G>A (p.Gly101Asp)

Gene: COL3A1 (collagen type III alpha 1 chain; plus strand). Cytogenetic location: 2q32.2.
Variant type: single nucleotide variant.
Coding change: c.302G>A on transcript NM_000090.4 (MANE Select); coding-DNA position 302, G replaced by A.
Protein change: p.Gly101Asp; replaces glycine 101 with aspartic acid.
Molecular consequence: missense variant.
Genome position (GRCh38, 1-based): chr2:188,985,216, G>A. VCF-style: chr2-188985216-G-A. GRCh37 (hg19) VCF-style: chr2-189849942-G-A.
Other names: short protein forms G101D.
Identifiers: ClinVar variation 2147619 (VCV002147619.14), dbSNP rs1384653982, ClinGen allele CA349847560.
Genomic context (GRCh38, chr2:188,985,216, plus strand): 5'-ATTCTGTGTCTTGTTTAACTTGTTTCTTTTCCATTTATTAGCCTACTCGCCCTCCTAATG[G>A]TCAAGGACCTCAAGGCCCCAAGGGAGATCCAGTAAGTAAACATTCTTCAGTAGAATAAAA-3'
Protein context (NP_000081.2, residues 91-111): PPTAPTRPPN[Gly101Asp]QGPQGPKGDP